The following is an entry in ClinVar:

NM_152722.5(HEPACAM):c.184A>C (p.Ser62Arg)

Gene: HEPACAM (hepatic and glial cell adhesion molecule; minus strand). Cytogenetic location: 11q24.2.
Variant type: single nucleotide variant.
Coding change: c.184A>C on transcript NM_152722.5 (MANE Select); coding-DNA position 184, A replaced by C.
Protein change: p.Ser62Arg; replaces serine 62 with arginine.
Molecular consequence: missense variant.
Genome position (GRCh38, 1-based): chr11:124,924,971, T>G on the plus strand (A>C on the coding strand, the complement: HEPACAM is on the minus strand). VCF-style: chr11-124924971-T-G. GRCh37 (hg19) VCF-style: chr11-124794867-T-G.
Other names: short protein forms S62R.
Identifiers: ClinVar variation 1695727 (VCV001695727.2), dbSNP rs2135400162, ClinGen allele CA383143707.

ClinVar aggregate classification (germline): Uncertain significance (1 of 4 stars; one submission).

Submission:

GeneDx
Classification: Uncertain significance. Last evaluated: 2022-01-05. Review status: criteria provided, single submitter. Criteria: GeneDx Variant Classification Process June 2021. Collection method: clinical testing. Allele origin: germline. Affected: yes.
Comment: Not observed at significant frequency in large population cohorts (gnomAD); In silico analysis supports that this missense variant does not alter protein structure/function; Has not been previously published as pathogenic or benign to our knowledge